The following is an entry in ClinVar:

NM_031220.4(PITPNM3):c.2732A>G (p.His911Arg)

Gene: PITPNM3 (PITPNM family member 3; minus strand). Cytogenetic location: 17p13.2.
Variant type: single nucleotide variant.
Coding change: c.2732A>G on transcript NM_031220.4 (MANE Select); coding-DNA position 2732, A replaced by G.
Protein change: p.His911Arg; replaces histidine 911 with arginine.
Molecular consequence: missense variant.
Genome position (GRCh38, 1-based): chr17:6,455,531, T>C on the plus strand (A>G on the coding strand, the complement: PITPNM3 is on the minus strand). VCF-style: chr17-6455531-T-C. GRCh37 (hg19) VCF-style: chr17-6358851-T-C.
Other names: c.2624A>G, p.His875Arg (NM_001165966.2); c.2732A>G (NM_031220.3); short protein forms H911R, H875R.
Identifiers: ClinVar variation 1480920 (VCV001480920.7), dbSNP rs748677534, ClinGen allele CA8329032.

ClinVar aggregate classification (germline): Uncertain significance. Review status: criteria provided, multiple submitters, no conflicts (2 of 4 stars). 2 submissions from 2 submitters: Uncertain significance (2). Last evaluated 2022-05-18.

Allele frequency attached by ClinVar (database versions not stated): ExAC 0.00001; gnomAD 0.00001; TOPMed 0.00001.
gnomAD v4.1: 14 of 1,604,836 alleles (0.00087%); highest among the groups gnomAD compares: Admixed American, 0.005%; no homozygotes.

Submissions (2):

Ambry Genetics
Classification: Uncertain significance. Last evaluated: 2022-05-18. Review status: criteria provided, single submitter. Criteria: Ambry Variant Classification Scheme 2023. Collection method: clinical testing. Allele origin: germline.

Labcorp Genetics (formerly Invitae), Labcorp
Classification: Uncertain significance. Last evaluated: 2021-08-31. Review status: criteria provided, single submitter. Criteria: Invitae Variant Classification Sherloc (09022015). Collection method: clinical testing. Allele origin: germline.
Comment: In summary, the available evidence is currently insufficient to determine the role of this variant in disease. Therefore, it has been classified as a Variant of Uncertain Significance. Algorithms developed to predict the effect of missense changes on protein structure and function (SIFT, PolyPhen-2, Align-GVGD) all suggest that this variant is likely to be tolerated. This variant has not been reported in the literature in individuals affected with PITPNM3-related conditions. This variant is present in population databases (rs748677534, ExAC 0.02%). This sequence change replaces histidine with arginine at codon 911 of the PITPNM3 protein (p.His911Arg). The histidine residue is moderately conserved and there is a small physicochemical difference between histidine and arginine.